The following is an entry in ClinVar:

ClinVar aggregate classification (germline): Likely benign (0 of 4 stars; one submission).

Conditions:
KCNQ1-related disorder. Also called: KCNQ1-related condition; KCNQ1-related disorders. Identifiers: MedGen CN239322.

Submission:

PreventionGenetics, part of Exact Sciences
Classification: Likely benign for KCNQ1-related condition. Last evaluated: 2023-01-06. Review status: no assertion criteria provided. Collection method: clinical testing. Allele origin: germline.
Comment: This variant is classified as likely benign based on ACMG/AMP sequence variant interpretation guidelines (Richards et al. 2015 PMID: 25741868, with internal and published modifications).

NM_000218.3(KCNQ1):c.1514+18145_1514+18146dup

Genes: KCNQ1 (potassium voltage-gated channel subfamily Q member 1; plus strand), KCNQ1OT1 (KCNQ1 opposite strand/antisense transcript 1; minus strand). Cytogenetic location: 11p15.5.
Variant type: Duplication.
Coding change: c.1514+18145_1514+18146dup on transcript NM_000218.3 (MANE Select); bases 18145 to 18146 of the intron after coding-DNA position 1514, 2 bases duplicated (AA; older notation c.1514+18145_1514+18146dupAA).
Molecular consequence: intron variant. On other transcripts: non-coding transcript variant (1).
Genome position (GRCh38, 1-based): chr11:2,680,226-2,680,227, AA duplicated; duplicating any 2 consecutive bases within chr11:2,680,207-2,680,227 gives the same sequence; the c. name uses the placement nearest the transcript's 3' end. VCF-style (leftmost placement, unchanged base first): chr11-2680206-T-TAA. GRCh37 (hg19) VCF-style: chr11-2701436-T-TAA.
Other names: c.1244+18145_1244+18146dup (NM_001406837.1); c.1418+18145_1418+18146dup (NM_001406836.1); c.974+18145_974+18146dup (NM_001406838.1); c.1133+18145_1133+18146dup (NM_181798.2).
Identifiers: ClinVar variation 3034329 (VCV003034329.2), dbSNP rs139249507, ClinGen allele CA597443214.